The following is an entry in ClinVar:

NM_024675.4(PALB2):c.1882_1890del (p.Lys628_Cys630del)

Gene: PALB2 (partner and localizer of BRCA2; minus strand). Cytogenetic location: 16p12.2.
Variant type: Deletion.
Coding change: c.1882_1890del on transcript NM_024675.4 (MANE Select); coding-DNA positions 1882 to 1890, 9 bases deleted (AAGTCCTGC; older notation c.1882_1890delAAGTCCTGC).
Protein change: p.Lys628_Cys630del.
Molecular consequence: inframe deletion.
Genome position (GRCh38, 1-based): chr16:23,630,264-23,630,272, GCAGGACTT deleted on the plus strand (AAGTCCTGC on the coding strand, the reverse complement: PALB2 is on the minus strand). VCF-style (leftmost placement, unchanged base first): chr16-23630263-AGCAGGACTT-A. GRCh37 (hg19) VCF-style: chr16-23641584-AGCAGGACTT-A.
Other names: c.1882_1890delAAGTCCTGC (NM_024675.3).
Identifiers: ClinVar variation 134993 (VCV000134993.29), dbSNP rs587778583, ClinGen allele CA161339.

ClinVar aggregate classification (germline): Conflicting classifications of pathogenicity. Review status: criteria provided, conflicting classifications (1 of 4 stars). 14 submissions from 14 submitters: Uncertain significance (12); Likely benign (1). 1 of the submissions does not count toward it. Last evaluated 2026-01-07.

Conditions:
PALB2-related cancer predisposition. Identifiers: MedGen CN377761, MONDO:0700272.
Fanconi anemia complementation group N. Also called: PALB2-Related Fanconi Anemia. Identifiers: Orphanet 84, MedGen C1835817, MONDO:0012565, OMIM 610832. Disease mechanism: loss of function.
Pancreatic cancer, susceptibility to, 3. Identifiers: Orphanet 1333, MedGen C3150547, MONDO:0013236, OMIM 613348.
Familial cancer of breast. Also called: hereditary breast carcinoma; Hereditary breast cancer; BREAST CANCER, FAMILIAL. Identifiers: Orphanet 227535, MedGen C0346153, MONDO:0016419, OMIM 114480. Disease mechanism: loss of function.
Hereditary cancer-predisposing syndrome. Also called: Tumor predisposition; Hereditary neoplastic syndrome; Neoplastic Syndromes, Hereditary; Hereditary Cancer Syndrome. Identifiers: Orphanet 140162, MedGen C0027672, MeSH D009386, MONDO:0015356.

Allele frequency attached by ClinVar (database versions not stated): gnomAD exomes 0.00002 and 0.00003; ExAC 0.00003; TOPMed below 0.00001.

Submissions (14):

Labcorp Genetics (formerly Invitae), Labcorp
Classification: Uncertain significance for Familial cancer of breast. Last evaluated: 2026-01-07. Review status: criteria provided, single submitter. Criteria: Invitae Variant Classification Sherloc (09022015). Collection method: clinical testing. Allele origin: germline.
Comment: This variant, c.1882_1890del, results in the deletion of 3 amino acid(s) of the PALB2 protein (p.Lys628_Cys630del), but otherwise preserves the integrity of the reading frame. This variant is present in population databases (rs587778583, gnomAD 0.005%). This variant has been observed in individual(s) with PALB2-related conditions (PMID: 28024868, 34359559). ClinVar contains an entry for this variant (Variation ID: 134993). Experimental studies and prediction algorithms are not available or were not evaluated, and the functional significance of this variant is currently unknown. In summary, the available evidence is currently insufficient to determine the role of this variant in disease. Therefore, it has been classified as a Variant of Uncertain Significance.

Institute for Genomic Medicine (IGM) Clinical Laboratory, Nationwide Children's Hospital
Classification: Uncertain significance for PALB2-related cancer predisposition. Last evaluated: 2025-02-10. Review status: criteria provided, single submitter. Criteria: ACMG Guidelines, 2015. Collection method: clinical testing. Allele origin: germline.
Comment: This variant is predicted to result in an in-frame insertion or deletion in a non-repetitive region (ACMG/AMP: PM4).

Myriad Genetics, Inc.
Classification: Likely benign for Familial cancer of breast. Last evaluated: 2025-01-14. Review status: criteria provided, single submitter. Criteria: Myriad Autosomal Dominant, Autosomal Recessive and X-Linked Classification Criteria (2023). Collection method: clinical testing. Allele origin: unknown.
Comment: This variant is considered likely benign. This variant is strongly associated with less severe personal and family histories of cancer, typical for individuals without pathogenic variants in this gene [PMID: 25085752].

Molecular Diagnostics Laboratory, Catalan Institute of Oncology
Classification: Uncertain significance for Hereditary cancer-predisposing syndrome. Last evaluated: 2024-10-24. Review status: criteria provided, single submitter. Criteria: ClinGen ACMG Specifications PALB2 V1.0.0. Collection method: clinical testing. Allele origin: germline.
Comment: c.1882_1890del, located in exon 5 of the PMS2 gene, consists in the deletion of 9 nucleotides, predicted to cause an in-frame deletion of 3 amino acids, p.(Lys628_Cys630del). This variant is found in 8/267731 alleles at a frequency of 0.003% in the gnomAD v2.1.1 database, non-cancer dataset. The SpliceAI algorithm predicts no significant impact on splicing. To our knowledge, neither relevant clinical data nor well-established functional studies have been reported for this variant. It has been reported in the ClinVar database (8x uncertain significance) but not in the LOVD database. Based on currently available information, the variant c.1882_1890del should be considered an uncertain significance variant.

Hereditary Cancer Laboratory, Hospital Universitario 12 de Octubre
Classification: Uncertain significance for Hereditary cancer-predisposing syndrome. Last evaluated: 2024-08-29. Review status: criteria provided, single submitter. Criteria: ACMG Guidelines, 2015. Collection method: clinical testing. Allele origin: germline.
Comment: PM2

Baylor Genetics
Classification: Uncertain significance for Familial cancer of breast. Last evaluated: 2024-03-21. Review status: criteria provided, single submitter. Criteria: ACMG Guidelines, 2015. Collection method: clinical testing. Allele origin: unknown.

Ambry Genetics
Classification: Uncertain significance for Hereditary cancer-predisposing syndrome. Last evaluated: 2024-01-31. Review status: criteria provided, single submitter. Criteria: Ambry Variant Classification Scheme 2023. Collection method: clinical testing. Allele origin: germline.
Comment: The c.1882_1890delAAGTCCTGC variant (also known as p.K628_C630del) is located in coding exon 5 of the PALB2 gene. This variant results from an in-frame AAGTCCTGC deletion at nucleotide positions 1882 to 1890. This results in the in-frame deletion of 3 amino acid residues at codons 628 to 630. This alteration has been reported in at least one breast cancer patient in a study of 13087 breast cancer cases and 5488 control individuals in the UK (Decker B et al. J Med Genet, 2017 11;54:732-741). This alteration was also identified in two individuals diagnosed with gastric cancer (Sahasrabudhe R et al. Gastroenterology 2017 Apr;152(5):983-986.e6). This region is not well conserved in available vertebrate species. In addition, this alteration is predicted to be deleterious by in silico analysis (Choi Y et al. PLoS ONE. 2012; 7(10):e46688). Based on the available evidence, the clinical significance of this alteration remains unclear.

Blueprint Genetics
Classification: Uncertain significance. Last evaluated: 2023-03-27. Review status: criteria provided, single submitter. Criteria: ACMG Guidelines, 2015. Collection method: clinical testing. Allele origin: germline.

Color Diagnostics, LLC DBA Color Health
Classification: Uncertain significance for Hereditary cancer-predisposing syndrome. Last evaluated: 2022-10-10. Review status: criteria provided, single submitter. Criteria: ACMG Guidelines, 2015. Collection method: clinical testing. Allele origin: germline.
Comment: This variant causes an in-frame deletion of three amino acids in the PALB2 protein. To our knowledge, functional studies have not been reported for this variant. This variant has been reported two individuals each affected with breast cancer and gastric cancer (PMID: 28024868, 28779002) and two individuals unaffected with breast cancer (PMID: 28779002) and a healthy individual (PMID: 24728327). This variant has been identified in 8/250874 chromosomes in the general population by the Genome Aggregation Database (gnomAD). The available evidence is insufficient to determine the role of this variant in disease conclusively. Therefore, this variant is classified as a Variant of Uncertain Significance.

Women's Health and Genetics/Laboratory Corporation of America, LabCorp
Classification: Uncertain significance. Last evaluated: 2022-02-24. Review status: criteria provided, single submitter. Criteria: LabCorp Variant Classification Summary - May 2015. Collection method: clinical testing. Allele origin: germline.
Comment: Variant summary: PALB2 c.1882_1890delAAGTCCTGC (p.Lys628_Cys630del) results in an in-frame deletion that is predicted to remove three amino acids from the encoded protein. The variant allele was found at a frequency of 3.2e-05 in 250874 control chromosomes (gnomAD). The available data on variant occurrences in the general population are insufficient to allow any conclusion about variant significance. c.1882_1890delAAGTCCTGC has been reported in the literature in individuals affected gastric cancer (example: Sahasrabudhe_2017). This report does not provide unequivocal conclusions about association of the variant with Hereditary Breast And Ovarian Cancer Syndrome. To our knowledge, no experimental evidence demonstrating an impact on protein function has been reported. Four clinical diagnostic laboratories have submitted clinical-significance assessments for this variant to ClinVar after 2014and all laboratories classified the variant as uncertain significance. Based on the evidence outlined above, the variant was classified as uncertain significance.

Sema4
Classification: Uncertain significance for Hereditary cancer-predisposing syndrome. Last evaluated: 2021-12-17. Review status: criteria provided, single submitter. Criteria: Sema4 Curation Guidelines. Collection method: curation. Allele origin: germline.
Comment: The PALB2 c.1882_1890delAAGTCCTGC (p.K628_C630del) variant has been reported in individuals with hereditary diffuse gastric cancer, breast cancer or another type of cancer associated with hereditary breast and ovarian cancer syndrome (PMID: 28024868, 29706558, 28779002, 34359559) and has also been reported in healthy controls (PMID: 24728327, 28024868). This variant was observed in 6/113580 chromosomes in the European Non-Finnish subpopulation in the large and broad cohorts of the Genome Aggregation Database (PMID: 32461654). This variant has been reported in ClinVar (Variation ID: 134993). This in-frame deletion removes three not well conserved amino acids without altering the integrity of reading frame. Functional studies and prediction algorithms are not available for this deletion, and the functional impact of this variant is unknown. The evidence is insufficient to meet ACMG/AMP criteria for classifying the variant as benign or pathogenic. Thus, the clinical significance of this variant is currently uncertain.

Fulgent Genetics
Classification: Uncertain significance for Familial cancer of breast; Fanconi anemia complementation group N; Pancreatic cancer, susceptibility to, 3. Last evaluated: 2021-09-07. Review status: criteria provided, single submitter. Criteria: ACMG Guidelines, 2015. Collection method: clinical testing. Allele origin: unknown.

Quest Diagnostics Nichols Institute San Juan Capistrano
Classification: Uncertain significance. Last evaluated: 2019-11-15. Review status: criteria provided, single submitter. Criteria: Quest Diagnostics criteria. Collection method: clinical testing. Allele origin: unknown.

ITMI
No classification provided. Condition: AllHighlyPenetrant. Last evaluated: 2013-09-19. Review status: no classification provided. Collection method: reference population. Allele origin: germline. Not counted in ClinVar's aggregate classification.
Comment: Please see associated publication for description of ethnicities

Literature cited by the submitters: PubMed 28024868 (cited by 6 submitters); PubMed 34359559 (cited by Labcorp Genetics (formerly Invitae), Labcorp and Sema4); PubMed 25085752 (cited by Myriad Genetics, Inc.); PubMed 24728327 (cited by 4 submitters); PubMed 28779002 (cited by 3 submitters); PubMed 29706558 (cited by Sema4 and Quest Diagnostics Nichols Institute San Juan Capistrano).